The following is an entry in ClinVar:

ClinVar aggregate classification (germline): Uncertain significance (0 of 4 stars; one submission).

Conditions:
FAT1-related disorder. Also called: FAT1-related condition.

Submission:

PreventionGenetics, part of Exact Sciences
Classification: Uncertain significance for FAT1-related condition. Last evaluated: 2023-12-27. Review status: no assertion criteria provided. Collection method: clinical testing. Allele origin: germline.
Comment: The FAT1 c.9328A>C variant is predicted to result in the amino acid substitution p.Ser3110Arg. To our knowledge, this variant has not been reported in the literature or in a large population database, indicating this variant is rare. At this time, the clinical significance of this variant is uncertain due to the absence of conclusive functional and genetic evidence.

NM_005245.4(FAT1):c.9328A>C (p.Ser3110Arg)

Gene: FAT1 (FAT atypical cadherin 1; minus strand). Cytogenetic location: 4q35.2.
Variant type: single nucleotide variant.
Coding change: c.9328A>C on transcript NM_005245.4 (MANE Select); coding-DNA position 9328, A replaced by C.
Protein change: p.Ser3110Arg; replaces serine 3110 with arginine.
Molecular consequence: missense variant.
Genome position (GRCh38, 1-based): chr4:186,613,244, T>G on the plus strand (A>C on the coding strand, the complement: FAT1 is on the minus strand). VCF-style: chr4-186613244-T-G. GRCh37 (hg19) VCF-style: chr4-187534398-T-G.
Other names: short protein forms S3110R.
Identifiers: ClinVar variation 3047776 (VCV003047776.2), dbSNP rs2477430551, ClinGen allele CA358957118.